The following is an entry in ClinVar:

NM_001457.4(FLNB):c.3387G>A (p.Met1129Ile)

Gene: FLNB (filamin B; plus strand). Cytogenetic location: 3p14.3.
Variant type: single nucleotide variant.
Coding change: c.3387G>A on transcript NM_001457.4 (MANE Select); coding-DNA position 3387, G replaced by A.
Protein change: p.Met1129Ile; replaces methionine 1129 with isoleucine.
Molecular consequence: missense variant.
Genome position (GRCh38, 1-based): chr3:58,123,353, G>A. VCF-style: chr3-58123353-G-A. GRCh37 (hg19) VCF-style: chr3-58109080-G-A.
Other names: c.3387G>A (NM_001457.3); c.3387G>A, p.Met1129Ile (NM_001164317.2, NM_001164318.2, NM_001164319.2); short protein forms M1129I.
Identifiers: ClinVar variation 1360008 (VCV001360008.8), dbSNP rs557548156, ClinGen allele CA2468399.
Genomic context (GRCh38, chr3:58,123,353, plus strand): 5'-CAACATCCTCTTTGAAGAAGTCCACATACCTGGGTCTCCCTTCAAAGCTGACATTGAAAT[G>A]CCCTTTGACCCCTCTAAAGTCGTGGCATCGGGGCCAGGTCTCGAGCACGGGAAGGTGGGT-3'
Protein context (NP_001448.2, residues 1119-1139): PGSPFKADIE[Met1129Ile]PFDPSKVVAS

ClinVar aggregate classification (germline): Uncertain significance. Review status: criteria provided, multiple submitters, no conflicts (2 of 4 stars). 3 submissions from 3 submitters: Uncertain significance (3). Last evaluated 2025-07-27.

Conditions:
Inborn genetic diseases. Identifiers: MedGen C0950123, MeSH D030342.

Allele frequency attached by ClinVar (database versions not stated): ExAC 0.00001; gnomAD exomes 0.00001; gnomAD 0.00002; TOPMed 0.00003; 1000 Genomes Project 30x 0.00016; 1000 Genomes Project 0.00020.

Submissions (3):

Labcorp Genetics (formerly Invitae), Labcorp
Classification: Uncertain significance. Last evaluated: 2025-07-27. Review status: criteria provided, single submitter. Criteria: Invitae Variant Classification Sherloc (09022015). Collection method: clinical testing. Allele origin: germline.
Comment: This sequence change replaces methionine, which is neutral and non-polar, with isoleucine, which is neutral and non-polar, at codon 1129 of the FLNB protein (p.Met1129Ile). This variant is present in population databases (rs557548156, gnomAD 0.003%). This variant has not been reported in the literature in individuals affected with FLNB-related conditions. ClinVar contains an entry for this variant (Variation ID: 1360008). Invitae Evidence Modeling of protein sequence and biophysical properties (such as structural, functional, and spatial information, amino acid conservation, physicochemical variation, residue mobility, and thermodynamic stability) indicates that this missense variant is not expected to disrupt FLNB protein function with a negative predictive value of 95%. In summary, the available evidence is currently insufficient to determine the role of this variant in disease. Therefore, it has been classified as a Variant of Uncertain Significance.

ARUP Laboratories, Molecular Genetics and Genomics, ARUP Laboratories
Classification: Uncertain significance. Last evaluated: 2024-07-24. Review status: criteria provided, single submitter. Criteria: ARUP Molecular Germline Variant Investigation Process 2024. Collection method: clinical testing. Allele origin: germline.
Comment: The FLNB c.3387G>A; p.Met1129Ile variant (rs557548156), to our knowledge, is not reported in the medical literature but is reported in ClinVar (Variation ID: 1360008). This variant is only observed on two alleles in the Genome Aggregation Database (v2.1.1), indicating it is not a common polymorphism. Computational analyses are uncertain whether this variant is neutral or deleterious (REVEL: 0.51). Due to the occurrence of p.Met1129Ile in the general adult population, this variant is unlikely to be associated with a severe autosomal dominant FLNB-related disease such as atelosteogenesis types I (AOI) and III (AOIII) or Piepkorn osteochondrodysplasia (Robertson 2020); however, due to limited information regarding the p.Met1129Ile variant, its clinical significance for a milder or autosomal recessive condition cannot be excluded. References: Robertson S. FLNB Disorders. 2008 Oct 9 (Updated 2020 Feb 13). In: Adam MP, Ardinger HH, Pagon RA, et al., editors. GeneReviews (Internet). Seattle (WA): University of Washington, Seattle; 1993-2020.

Ambry Genetics
Classification: Uncertain significance for Inborn genetic diseases. Last evaluated: 2023-03-24. Review status: criteria provided, single submitter. Criteria: Ambry Variant Classification Scheme 2023. Collection method: clinical testing. Allele origin: germline.